The following is an entry in ClinVar:

ClinVar aggregate classification (germline): Uncertain significance. Review status: criteria provided, single submitter (1 of 4 stars). 2 submissions from 2 submitters: Uncertain significance (1). 1 of the submissions does not count toward it. Last evaluated 2022-03-10.

Conditions:
Usher syndrome type 1F (USH1F). Also called: USHER SYNDROME, TYPE IF. Identifiers: Orphanet 231169, Orphanet 886, MedGen C1865885, MONDO:0011186, OMIM 602083.

Allele frequency attached by ClinVar (database versions not stated): gnomAD exomes below 0.00001.
gnomAD v4.1: 1 of 1,613,898 alleles (0.000062%); highest among the groups gnomAD compares: Non-Finnish European, 0.000085%; no homozygotes.

Submissions (2):

Labcorp Genetics (formerly Invitae), Labcorp
Classification: Uncertain significance. Last evaluated: 2022-03-10. Review status: criteria provided, single submitter. Criteria: Invitae Variant Classification Sherloc (09022015). Collection method: clinical testing. Allele origin: germline.
Comment: In summary, the available evidence is currently insufficient to determine the role of this variant in disease. Therefore, it has been classified as a Variant of Uncertain Significance. Algorithms developed to predict the effect of missense changes on protein structure and function are either unavailable or do not agree on the potential impact of this missense change (SIFT: "Deleterious"; PolyPhen-2: "Possibly Damaging"; Align-GVGD: "Class C0"). This variant has not been reported in the literature in individuals affected with PCDH15-related conditions. This variant is not present in population databases (gnomAD no frequency). This sequence change replaces phenylalanine, which is neutral and non-polar, with serine, which is neutral and polar, at codon 95 of the PCDH15 protein (p.Phe95Ser).

Natera, Inc.
Classification: Uncertain significance for Usher syndrome type 1F. Last evaluated: 2025-03-10. Review status: no assertion criteria provided. Collection method: clinical testing. Allele origin: germline. Not counted in ClinVar's aggregate classification.

NM_001384140.1(PCDH15):c.284T>C (p.Phe95Ser)

Gene: PCDH15 (protocadherin related 15; minus strand). Cytogenetic location: 10q21.1.
Variant type: single nucleotide variant.
Coding change: c.284T>C on transcript NM_001384140.1 (MANE Select); coding-DNA position 284, T replaced by C.
Protein change: p.Phe95Ser; replaces phenylalanine 95 with serine.
Molecular consequence: missense variant.
Genome position (GRCh38, 1-based): chr10:54,378,816, A>G on the plus strand (T>C on the coding strand, the complement: PCDH15 is on the minus strand). VCF-style: chr10-54378816-A-G. GRCh37 (hg19) VCF-style: chr10-56138576-A-G.
Other names: c.299T>C, p.Phe100Ser (NM_001142763.2, NM_001142769.4, NM_001142771.2); c.284T>C, p.Phe95Ser (NM_001142764.2, NM_001142765.2, NM_001142766.2 and 8 more transcripts); c.218T>C, p.Phe73Ser (NM_001142768.2, NM_001142773.2, NM_001354404.2); short protein forms F100S, F73S, F95S.
Identifiers: ClinVar variation 2418185 (VCV002418185.7), dbSNP rs1190395687, ClinGen allele CA376540471.
Genomic context (GRCh38, chr10:54,378,816, plus strand): 5'-AGGGGCAAAGAAAAAAAATCACTAACATCTCTATCCAGAACTCTTCCGGTGCTGTTCAGG[A>G]AAAGCATTTGCTTAACAGGATCCATCAACACCCAGTAATCCACATTATCCTTTAAAGAAA-3'
Protein context (NP_001371069.1, residues 85-105): VLMDPVKQML[Phe95Ser]LNSTGRVLDR